The following is an entry in ClinVar:

NM_000103.4(CYP19A1):c.501C>A (p.Ser167=)

Genes: CYP19A1 (cytochrome P450 family 19 subfamily A member 1; minus strand), MIR4713HG (MIR4713 host gene; plus strand), PIRC66 (piwi-interacting RNA cluster 66; plus strand). Cytogenetic location: 15q21.2.
Variant type: single nucleotide variant.
Coding change: c.501C>A on transcript NM_000103.4 (MANE Select); coding-DNA position 501, C replaced by A.
Protein change: p.Ser167=; no amino-acid change (serine 167 retained).
Molecular consequence: synonymous variant.
Genome position (GRCh38, 1-based): chr15:51,222,476, G>T on the plus strand (C>A on the coding strand, the complement: CYP19A1 is on the minus strand). VCF-style: chr15-51222476-G-T. GRCh37 (hg19) VCF-style: chr15-51514673-G-T.
Other names: c.501C>A, p.Ser167= (NM_001347248.1, NM_001347249.2, NM_001347250.2 and 7 more transcripts).
Identifiers: ClinVar variation 749543 (VCV000749543.15), dbSNP rs35900050, ClinGen allele CA7560040.
Genomic context (GRCh38, chr15:51,222,476, plus strand): 5'-CACGTCCACATAGCCCGATTCATTGGTCACCTCCTCCAACCTGTCCAGATGTGTTTTGAG[G>T]GATTCAGCACAGACTGTGACCATACGAACAAGGCCGGGGCCTGACAGAGCTGCAGAGTAC-3'
Protein context (NP_000094.2, residues 157-177): LVRMVTVCAE[Ser167=]LKTHLDRLEE

ClinVar aggregate classification (germline): Conflicting classifications of pathogenicity. Review status: criteria provided, conflicting classifications (1 of 4 stars). 3 submissions from 3 submitters: Uncertain significance (1); Likely benign (1). 1 of the submissions does not count toward it. Last evaluated 2026-01-19.

Conditions:
Aromatase deficiency. Also called: Increased aromatase activity; PSEUDOHERMAPHRODITISM, FEMALE, DUE TO PLACENTAL AROMATASE DEFICIENCY. Identifiers: Orphanet 91, MedGen C1960539, MONDO:0013301, OMIM 613546.

Allele frequency attached by ClinVar (database versions not stated): gnomAD 0.00001 and 0.00006; TOPMed 0.00002; ExAC 0.00006; gnomAD exomes 0.00006 and 0.00013; 1000 Genomes Project 30x 0.00016; 1000 Genomes Project 0.00020.
gnomAD v4.1: 198 of 1,614,084 alleles (0.012%); highest among the groups gnomAD compares: East Asian, 0.43%; 2 homozygotes.

Submissions (3):

Labcorp Genetics (formerly Invitae), Labcorp
Classification: Likely benign. Last evaluated: 2026-01-19. Review status: criteria provided, single submitter. Criteria: Invitae Variant Classification Sherloc (09022015). Collection method: clinical testing. Allele origin: germline.

Illumina Laboratory Services, Illumina
Classification: Uncertain significance for Aromatase deficiency. Last evaluated: 2017-04-27. Review status: criteria provided, single submitter. Criteria: ICSL Variant Classification Criteria 13 December 2019. Collection method: clinical testing. Allele origin: germline.
Comment: This variant was observed as part of a predisposition screen in an ostensibly healthy population. A literature search was performed for the gene, cDNA change, and amino acid change (where applicable). Publications were found based on this search. However, the evidence from the literature, in combination with allele frequency data from public databases where available, was not sufficient to rule this variant in or out of causing disease. Therefore, this variant is classified as a variant of unknown significance.

Natera, Inc.
Classification: Likely benign for Aromatase deficiency. Last evaluated: 2020-09-16. Review status: no assertion criteria provided. Collection method: clinical testing. Allele origin: germline. Not counted in ClinVar's aggregate classification.

Literature cited by the submitters: PubMed 20186154 (cited by Illumina Laboratory Services, Illumina).